The following is an entry in ClinVar:

ClinVar aggregate classification (germline): Uncertain significance (1 of 4 stars; one submission).

Conditions:
Hereditary cancer-predisposing syndrome. Also called: Neoplastic Syndromes, Hereditary; Tumor predisposition; Hereditary Cancer Syndrome; Hereditary neoplastic syndrome. Identifiers: Orphanet 140162, MedGen C0027672, MeSH D009386, MONDO:0015356.

Submission:

Ambry Genetics
Classification: Uncertain significance for Hereditary cancer-predisposing syndrome. Last evaluated: 2022-04-10. Review status: criteria provided, single submitter. Criteria: Ambry Variant Classification Scheme 2023. Collection method: clinical testing. Allele origin: germline.
Comment: The p.H1339Y variant (also known as c.4015C>T), located in coding exon 20 of the DICER1 gene, results from a C to T substitution at nucleotide position 4015. The histidine at codon 1339 is replaced by tyrosine, an amino acid with similar properties. This amino acid position is conserved. In addition, this alteration is predicted to be deleterious by in silico analysis. Since supporting evidence is limited at this time, the clinical significance of this alteration remains unclear.

NM_177438.3(DICER1):c.4015C>T (p.His1339Tyr)

Gene: DICER1 (dicer 1, ribonuclease III; minus strand). Cytogenetic location: 14q32.13.
Variant type: single nucleotide variant.
Coding change: c.4015C>T on transcript NM_177438.3 (MANE Select); coding-DNA position 4015, C replaced by T.
Protein change: p.His1339Tyr; replaces histidine 1339 with tyrosine.
Molecular consequence: missense variant. On other transcripts: non-coding transcript variant (6).
Genome position (GRCh38, 1-based): chr14:95,103,381, G>A on the plus strand (C>T on the coding strand, the complement: DICER1 is on the minus strand). VCF-style: chr14-95103381-G-A. GRCh37 (hg19) VCF-style: chr14-95569718-G-A.
Other names: c.4015C>T, p.His1339Tyr (NM_001195573.1, NM_001271282.3, NM_001291628.2 and 13 more transcripts); c.3733C>T, p.His1245Tyr (NM_001395686.1); c.3610C>T, p.His1204Tyr (NM_001395687.1, NM_001395688.1, NM_001395689.1 and 2 more transcripts); c.3448C>T, p.His1150Tyr (NM_001395691.1); c.2332C>T, p.His778Tyr (NM_001395697.1); short protein forms H1150Y, H1245Y, H1204Y, H1339Y, H778Y.
Identifiers: ClinVar variation 1737054 (VCV001737054.2), dbSNP rs2542684555, ClinGen allele CA390872952.